The following is an entry in ClinVar:

ClinVar aggregate classification (germline): Uncertain significance. Review status: criteria provided, multiple submitters, no conflicts (2 of 4 stars). 2 submissions from 2 submitters: Uncertain significance (2). Last evaluated 2024-12-28.

Conditions:
Familial sleep-related hypermotor epilepsy. Also called: Autosomal Dominant Sleep-Related Hypermotor (Hyperkinetic) Epilepsy. Identifiers: Orphanet 98784, MedGen C3696898, MONDO:0000030.

Allele frequency attached by ClinVar (database versions not stated): gnomAD 0.00001; ExAC 0.00001; TOPMed 0.00002; gnomAD exomes 0.00001.
gnomAD v4.1: 9 of 1,613,956 alleles (0.00056%); highest among the groups gnomAD compares: African/African-American, 0.004%; no homozygotes.

Submissions (2):

Labcorp Genetics (formerly Invitae), Labcorp
Classification: Uncertain significance. Last evaluated: 2024-12-28. Review status: criteria provided, single submitter. Criteria: Invitae Variant Classification Sherloc (09022015). Collection method: clinical testing. Allele origin: germline.
Comment: This sequence change replaces proline, which is neutral and non-polar, with leucine, which is neutral and non-polar, at codon 253 of the CHRNA4 protein (p.Pro253Leu). This variant is present in population databases (rs747083728, gnomAD 0.01%). This variant has not been reported in the literature in individuals affected with CHRNA4-related conditions. ClinVar contains an entry for this variant (Variation ID: 290412). Invitae Evidence Modeling of protein sequence and biophysical properties (such as structural, functional, and spatial information, amino acid conservation, physicochemical variation, residue mobility, and thermodynamic stability) indicates that this missense variant is expected to disrupt CHRNA4 protein function with a positive predictive value of 80%. In summary, the available evidence is currently insufficient to determine the role of this variant in disease. Therefore, it has been classified as a Variant of Uncertain Significance.

Eurofins Ntd Llc (ga)
Classification: Uncertain significance. Last evaluated: 2016-09-09. Review status: criteria provided, single submitter. Criteria: EGL Classification Definitions 2015. Collection method: clinical testing. Allele origin: germline. Observed: 1 variant allele, 1 heterozygote.

NM_000744.7(CHRNA4):c.758C>T (p.Pro253Leu)

Gene: CHRNA4 (cholinergic receptor nicotinic alpha 4 subunit; minus strand). Cytogenetic location: 20q13.33.
Variant type: single nucleotide variant.
Coding change: c.758C>T on transcript NM_000744.7 (MANE Select); coding-DNA position 758, C replaced by T.
Protein change: p.Pro253Leu; replaces proline 253 with leucine.
Molecular consequence: missense variant. On other transcripts: non-coding transcript variant (1).
Genome position (GRCh38, 1-based): chr20:63,350,653, G>A on the plus strand (C>T on the coding strand, the complement: CHRNA4 is on the minus strand). VCF-style: chr20-63350653-G-A. GRCh37 (hg19) VCF-style: chr20-61982005-G-A.
Other names: c.230C>T, p.Pro77Leu (NM_001256573.2); short protein forms P253L, P77L.
Identifiers: ClinVar variation 290412 (VCV000290412.8), dbSNP rs747083728, ClinGen allele CA9957732.